The following is an entry in ClinVar:

ClinVar aggregate classification (germline): Likely benign. Review status: criteria provided, multiple submitters, no conflicts (2 of 4 stars). 2 submissions from 2 submitters: Likely benign (2). Last evaluated 2024-11-05.

Conditions:
3MC syndrome 1. Also called: CRANIOSYNOSTOSIS WITH LID ANOMALIES; OCULOPALATOSKELETAL SYNDROME; MICHELS SYNDROME. Identifiers: Orphanet 293843, MedGen C0796059, MONDO:0009770, OMIM 257920.

Allele frequency attached by ClinVar (database versions not stated): ExAC 0.00002; TOPMed 0.00002.
gnomAD v4.1: 11 of 1,614,136 alleles (0.00068%); highest among the groups gnomAD compares: Non-Finnish European, 0.00093%; no homozygotes.

Submissions (2):

Labcorp Genetics (formerly Invitae), Labcorp
Classification: Likely benign for 3MC syndrome 1. Last evaluated: 2024-11-05. Review status: criteria provided, single submitter. Criteria: Invitae Variant Classification Sherloc (09022015). Collection method: clinical testing. Allele origin: germline.

CeGaT Center for Human Genetics Tuebingen
Classification: Likely benign. Last evaluated: 2023-03-01. Review status: criteria provided, single submitter. Criteria: CeGaT Center For Human Genetics Tuebingen Variant Classification Criteria Version 2. Collection method: clinical testing. Allele origin: germline. Affected: yes. Observed: 1 variant allele.
Comment: MASP1: BP4, BP7

NM_139125.4(MASP1):c.267C>T (p.Thr89=)

Gene: MASP1 (MBL associated serine protease 1; minus strand). Cytogenetic location: 3q27.3.
Variant type: single nucleotide variant.
Coding change: c.267C>T on transcript NM_139125.4 (MANE Select); coding-DNA position 267, C replaced by T.
Protein change: p.Thr89=; no amino-acid change (threonine 89 retained).
Molecular consequence: synonymous variant. On other transcripts: non-coding transcript variant (1).
Genome position (GRCh38, 1-based): chr3:187,262,691, G>A on the plus strand (C>T on the coding strand, the complement: MASP1 is on the minus strand). VCF-style: chr3-187262691-G-A. GRCh37 (hg19) VCF-style: chr3-186980479-G-A.
Other names: c.267C>T, p.Thr89= (NM_001031849.3, NM_001879.6).
Identifiers: ClinVar variation 2654349 (VCV002654349.27), dbSNP rs756016647, ClinGen allele CA2749683.